The following is an entry in ClinVar:

ClinVar aggregate classification (germline): Uncertain significance. Review status: criteria provided, multiple submitters, no conflicts (2 of 4 stars). 2 submissions from 2 submitters: Uncertain significance (2). Last evaluated 2023-09-19.

Conditions:
Renal cell carcinoma. Identifiers: Orphanet 217071, MedGen C0007134, MeSH D002292, MONDO:0005086, HP:0005584.
Hereditary cancer-predisposing syndrome. Also called: Neoplastic Syndromes, Hereditary; Hereditary Cancer Syndrome; Tumor predisposition; Hereditary neoplastic syndrome. Identifiers: Orphanet 140162, MedGen C0027672, MeSH D009386, MONDO:0015356.

Allele frequency attached by ClinVar (database versions not stated): gnomAD exomes below 0.00001.
gnomAD v4.1: 1 of 1,614,178 alleles (0.000062%); highest among the groups gnomAD compares: Non-Finnish European, 0.000085%; no homozygotes.

Submissions (2):

Labcorp Genetics (formerly Invitae), Labcorp
Classification: Uncertain significance for Renal cell carcinoma. Last evaluated: 2023-09-19. Review status: criteria provided, single submitter. Criteria: Invitae Variant Classification Sherloc (09022015). Collection method: clinical testing. Allele origin: germline.
Comment: This sequence change replaces lysine, which is basic and polar, with glutamic acid, which is acidic and polar, at codon 600 of the MET protein (p.Lys600Glu). This variant is not present in population databases (gnomAD no frequency). This variant has not been reported in the literature in individuals affected with MET-related conditions. ClinVar contains an entry for this variant (Variation ID: 2447321). Advanced modeling of protein sequence and biophysical properties (such as structural, functional, and spatial information, amino acid conservation, physicochemical variation, residue mobility, and thermodynamic stability) performed at Invitae indicates that this missense variant is not expected to disrupt MET protein function. In summary, the available evidence is currently insufficient to determine the role of this variant in disease. Therefore, it has been classified as a Variant of Uncertain Significance.

Ambry Genetics
Classification: Uncertain significance for Hereditary cancer-predisposing syndrome. Last evaluated: 2022-11-19. Review status: criteria provided, single submitter. Criteria: Ambry Variant Classification Scheme 2023. Collection method: clinical testing. Allele origin: germline.
Comment: The p.K600E variant (also known as c.1798A>G), located in coding exon 5 of the MET gene, results from an A to G substitution at nucleotide position 1798. The lysine at codon 600 is replaced by glutamic acid, an amino acid with similar properties. This amino acid position is conserved. In addition, this alteration is predicted to be tolerated by in silico analysis. Since supporting evidence is limited at this time, the clinical significance of this alteration remains unclear.

NM_000245.4(MET):c.1798A>G (p.Lys600Glu)

Gene: MET (MET proto-oncogene, receptor tyrosine kinase; plus strand). Cytogenetic location: 7q31.2.
Variant type: single nucleotide variant.
Coding change: c.1798A>G on transcript NM_000245.4 (MANE Select); coding-DNA position 1798, A replaced by G.
Protein change: p.Lys600Glu; replaces lysine 600 with glutamic acid.
Molecular consequence: missense variant.
Genome position (GRCh38, 1-based): chr7:116,755,451, A>G. VCF-style: chr7-116755451-A-G. GRCh37 (hg19) VCF-style: chr7-116395505-A-G.
Other names: c.1798A>G, p.Lys600Glu (NM_001127500.3, NM_001324401.3); c.508A>G, p.Lys170Glu (NM_001324402.2); short protein forms K600E, K170E.
Identifiers: ClinVar variation 2447321 (VCV002447321.5), dbSNP rs2116910143, ClinGen allele CA368977977.
Genomic context (GRCh38, chr7:116,755,451, plus strand): 5'-AGGCTGACCATATGTGGCTGGGACTTTGGATTTCGGAGGAATAATAAATTTGATTTAAAG[A>G]AAACTAGAGTTCTCCTTGGAAATGAGAGCTGCACCTTGACTTTAAGTGAGAGCACGATGA-3'
Protein context (NP_000236.2, residues 590-610): FRRNNKFDLK[Lys600Glu]TRVLLGNESC